The following is an entry in ClinVar:

NM_001394372.1(BICRA):c.3700_3701delinsAT (p.Ala1234Ile)

Gene: BICRA (BRD4 interacting chromatin remodeling complex associated protein; plus strand). Cytogenetic location: 19q13.33.
Variant type: Indel.
Coding change: c.3700_3701delinsAT on transcript NM_001394372.1 (MANE Select); coding-DNA positions 3700 to 3701, GC replaced by AT.
Protein change: p.Ala1234Ile; replaces alanine 1234 with isoleucine.
Molecular consequence: missense variant.
Genome position (GRCh38, 1-based): chr19:47,701,432-47,701,433, GC replaced by AT. VCF-style: chr19-47701432-GC-AT. GRCh37 (hg19) VCF-style: chr19-48204689-GC-AT.
Other names: c.3700_3701delinsAT, p.Ala1234Ile (NM_015711.3); short protein forms A1234I.
Identifiers: ClinVar variation 4883994 (VCV004883994.2).
Genomic context (GRCh38, chr19:47,701,432, plus strand): 5'-GCCTCTTCCGAGGGTCATCGGCTTCCCGGCCACGGCCCCCTGTCGTCTTCAGCTCCCGGG[GC>AT]CTCCACCCAGCCCCCTCCACACCTGCCCACCAAGCTTGTGATCCGGCACGGCGGGGCAGG-3'
Protein context (NP_001381301.1, residues 1224-1244): HGPLSSSAPG[Ala1234Ile]STQPPPHLPT

ClinVar aggregate classification (germline): Uncertain significance (1 of 4 stars; one submission).

Conditions:
Coffin-Siris syndrome 12. Identifiers: MedGen C5444111, MONDO:0025699, OMIM 619325.

Submission:

Dasa
Classification: Uncertain significance for Coffin-Siris syndrome 12. Last evaluated: 2025-11-17. Review status: criteria provided, single submitter. Criteria: DASA Assertion Criteria. Collection method: clinical testing. Allele origin: germline.
Comment: NM_001394372.1(BICRA):c.3700_3701delinsAT (p.Ala1234Ile) is an in-frame insertion/deletion-insertion predicted to alter the protein sequence without shifting the reading frame. This variant is absent from population databases. The currently available literature and clinical evidence are not sufficient to establish a definitive association between this variant and the reported condition. Therefore, this variant is classified as a variant of uncertain significance.